The following is an entry in ClinVar:

NM_001261826.3(AP3D1):c.2437A>T (p.Ser813Cys)

Gene: AP3D1 (adaptor related protein complex 3 subunit delta 1; minus strand). Cytogenetic location: 19p13.3.
Variant type: single nucleotide variant.
Coding change: c.2437A>T on transcript NM_001261826.3 (MANE Select); coding-DNA position 2437, A replaced by T.
Protein change: p.Ser813Cys; replaces serine 813 with cysteine.
Molecular consequence: missense variant.
Genome position (GRCh38, 1-based): chr19:2,114,289, T>A on the plus strand (A>T on the coding strand, the complement: AP3D1 is on the minus strand). VCF-style: chr19-2114289-T-A. GRCh37 (hg19) VCF-style: chr19-2114288-T-A.
Other names: c.2437A>T, p.Ser813Cys (NM_001374799.1, NM_003938.8); short protein forms S813C.
Identifiers: ClinVar variation 2963119 (VCV002963119.3), dbSNP rs771671627, ClinGen allele CA9058852.

ClinVar aggregate classification (germline): Uncertain significance (1 of 4 stars; one submission).

Allele frequency attached by ClinVar (database versions not stated): gnomAD exomes below 0.00001; gnomAD 0.00001; TOPMed 0.00001; ExAC 0.00002.
gnomAD v4.1: 3 of 1,611,574 alleles (0.00019%); highest among the groups gnomAD compares: Non-Finnish European, 0.00025%; no homozygotes.

Submission:

Labcorp Genetics (formerly Invitae), Labcorp
Classification: Uncertain significance. Last evaluated: 2023-05-16. Review status: criteria provided, single submitter. Criteria: Invitae Variant Classification Sherloc (09022015). Collection method: clinical testing. Allele origin: germline.
Comment: An algorithm developed to predict the effect of missense changes on protein structure and function (PolyPhen-2) suggests that this variant is likely to be disruptive. In summary, the available evidence is currently insufficient to determine the role of this variant in disease. Therefore, it has been classified as a Variant of Uncertain Significance. This variant has not been reported in the literature in individuals affected with AP3D1-related conditions. This variant is present in population databases (rs771671627, gnomAD 0.0009%). This sequence change replaces serine, which is neutral and polar, with cysteine, which is neutral and slightly polar, at codon 813 of the AP3D1 protein (p.Ser813Cys).